The following is an entry in ClinVar:

NM_003816.3(ADAM9):c.2284C>T (p.Pro762Ser)

Gene: ADAM9 (ADAM metallopeptidase domain 9; plus strand). Cytogenetic location: 8p11.22.
Variant type: single nucleotide variant.
Coding change: c.2284C>T on transcript NM_003816.3 (MANE Select); coding-DNA position 2284, C replaced by T.
Protein change: p.Pro762Ser; replaces proline 762 with serine.
Molecular consequence: missense variant. On other transcripts: non-coding transcript variant (3).
Genome position (GRCh38, 1-based): chr8:39,091,332, C>T. VCF-style: chr8-39091332-C-T. GRCh37 (hg19) VCF-style: chr8-38948851-C-T.
Other names: short protein forms P762S.
Identifiers: ClinVar variation 1062018 (VCV001062018.2), dbSNP rs1588430838, ClinGen allele CA370750156.

ClinVar aggregate classification (germline): Uncertain significance (1 of 4 stars; one submission).

Allele frequency attached by ClinVar (database versions not stated): TOPMed below 0.00001.
gnomAD v4.1: 3 of 1,613,806 alleles (0.00019%); highest among the groups gnomAD compares: South Asian, 0.0011%; no homozygotes.

Submission:

Labcorp Genetics (formerly Invitae), Labcorp
Classification: Uncertain significance. Last evaluated: 2021-08-31. Review status: criteria provided, single submitter. Criteria: Invitae Variant Classification Sherloc (09022015). Collection method: clinical testing. Allele origin: germline.
Comment: This sequence change replaces proline with serine at codon 762 of the ADAM9 protein (p.Pro762Ser). The proline residue is weakly conserved and there is a moderate physicochemical difference between proline and serine. This variant is not present in population databases (ExAC no frequency). This variant has not been reported in the literature in individuals affected with ADAM9-related conditions. Algorithms developed to predict the effect of missense changes on protein structure and function output the following: SIFT: "Tolerated"; PolyPhen-2: "Benign"; Align-GVGD: "Class C0". The serine amino acid residue is found in multiple mammalian species, which suggests that this missense change does not adversely affect protein function. In summary, the available evidence is currently insufficient to determine the role of this variant in disease. Therefore, it has been classified as a Variant of Uncertain Significance.